The following is an entry in ClinVar:

NM_205836.3(FBXO38):c.2432C>G (p.Thr811Arg)

Gene: FBXO38 (F-box protein 38; plus strand). Cytogenetic location: 5q32.
Variant type: single nucleotide variant.
Coding change: c.2432C>G on transcript NM_205836.3 (MANE Select); coding-DNA position 2432, C replaced by G.
Protein change: p.Thr811Arg; replaces threonine 811 with arginine.
Molecular consequence: missense variant. On other transcripts: intron variant (2).
Genome position (GRCh38, 1-based): chr5:148,427,726, C>G. VCF-style: chr5-148427726-C-G. GRCh37 (hg19) VCF-style: chr5-147807289-C-G.
Other names: c.2428+4C>G (NM_030793.5); c.1918+2025C>G (NM_001271723.2); short protein forms T811R.
Identifiers: ClinVar variation 3728276 (VCV003728276.2).
Genomic context (GRCh38, chr5:148,427,726, plus strand): 5'-GTTCTGATGAGGAACGTCCTTCAACCAGCCGAGCCTGTGTTGTGAATGGCCCGGATGGTA[C>G]GAGATCCGCCTTTTCCTTTAGGACTCTGCCACAAGGGGGGTCTTCAGGCCCAGCACATGA-3'
Protein context (NP_995308.1, residues 801-821): RACVVNGPDG[Thr811Arg]RSAFSFRTLP

ClinVar aggregate classification (germline): Uncertain significance (1 of 4 stars; one submission).

Conditions:
Distal hereditary motor neuropathy type 2. Identifiers: Orphanet 139525, MedGen C3711384, MeSH C580044, MONDO:0015352.

gnomAD v4.1: 1 of 1,613,994 alleles (0.000062%); highest among the groups gnomAD compares: East Asian, 0.0022%; no homozygotes.

Submission:

Labcorp Genetics (formerly Invitae), Labcorp
Classification: Uncertain significance for Distal hereditary motor neuropathy type 2. Last evaluated: 2024-12-30. Review status: criteria provided, single submitter. Criteria: Invitae Variant Classification Sherloc (09022015). Collection method: clinical testing. Allele origin: germline.
Comment: This sequence change falls in intron 15 of the FBXO38 gene. It does not directly change the encoded amino acid sequence of the FBXO38 protein. It affects a nucleotide within the consensus splice site. This variant is not present in population databases (gnomAD no frequency). This variant has not been reported in the literature in individuals affected with FBXO38-related conditions. Variants that disrupt the consensus splice site are a relatively common cause of aberrant splicing (PMID: 17576681, 9536098). Algorithms developed to predict the effect of sequence changes on RNA splicing suggest that this variant is not likely to affect RNA splicing. In summary, the available evidence is currently insufficient to determine the role of this variant in disease. Therefore, it has been classified as a Variant of Uncertain Significance.

Literature cited by the submitters: PubMed 17576681; PubMed 9536098.